The following is an entry in ClinVar:

ClinVar aggregate classification (germline): Uncertain significance. Review status: criteria provided, multiple submitters, no conflicts (2 of 4 stars). 2 submissions from 2 submitters: Uncertain significance (2). Last evaluated 2026-03-23.

Conditions:
Hereditary cancer-predisposing syndrome. Also called: Tumor predisposition; Hereditary Cancer Syndrome; Hereditary neoplastic syndrome; Neoplastic Syndromes, Hereditary. Identifiers: Orphanet 140162, MedGen C0027672, MeSH D009386, MONDO:0015356.
Familial adenomatous polyposis 1 (FAP1). Also called: FAMILIAL ADENOMATOUS POLYPOSIS 1, ATTENUATED; POLYPOSIS, ADENOMATOUS INTESTINAL. Identifiers: MedGen C2713442, MONDO:0021056, OMIM 175100. Disease mechanism: loss of function.

Submissions (2):

Ambry Genetics
Classification: Uncertain significance for Hereditary cancer-predisposing syndrome. Last evaluated: 2026-03-23. Review status: criteria provided, single submitter. Criteria: Ambry Variant Classification Scheme 2023. Collection method: clinical testing. Allele origin: germline.
Comment: The p.P824R variant (also known as c.2471C>G), located in coding exon 15 of the APC gene, results from a C to G substitution at nucleotide position 2471. The proline at codon 824 is replaced by arginine, an amino acid with dissimilar properties. This amino acid position is conserved. In addition, in silico predictors for this gene do not accurately predict pathogenicity. Based on the available evidence, the clinical significance of this variant remains unclear.

Labcorp Genetics (formerly Invitae), Labcorp
Classification: Uncertain significance for Familial adenomatous polyposis 1. Last evaluated: 2023-12-10. Review status: criteria provided, single submitter. Criteria: Invitae Variant Classification Sherloc (09022015). Collection method: clinical testing. Allele origin: germline.
Comment: This sequence change replaces proline, which is neutral and non-polar, with arginine, which is basic and polar, at codon 824 of the APC protein (p.Pro824Arg). This variant is not present in population databases (gnomAD no frequency). This variant has not been reported in the literature in individuals affected with APC-related conditions. ClinVar contains an entry for this variant (Variation ID: 2178248). Advanced modeling of protein sequence and biophysical properties (such as structural, functional, and spatial information, amino acid conservation, physicochemical variation, residue mobility, and thermodynamic stability) performed at Invitae indicates that this missense variant is not expected to disrupt APC protein function with a negative predictive value of 95%. In summary, the available evidence is currently insufficient to determine the role of this variant in disease. Therefore, it has been classified as a Variant of Uncertain Significance.

NM_000038.6(APC):c.2471C>G (p.Pro824Arg)

Gene: APC (APC regulator of Wnt signaling pathway; plus strand). Cytogenetic location: 5q22.2.
Variant type: single nucleotide variant.
Coding change: c.2471C>G on transcript NM_000038.6 (MANE Select); coding-DNA position 2471, C replaced by G.
Protein change: p.Pro824Arg; replaces proline 824 with arginine.
Molecular consequence: missense variant.
Genome position (GRCh38, 1-based): chr5:112,838,065, C>G. VCF-style: chr5-112838065-C-G. GRCh37 (hg19) VCF-style: chr5-112173762-C-G.
Other names: c.2471C>G, p.Pro824Arg (NM_001127510.3, NM_001354895.2, NM_001407450.1); c.2417C>G, p.Pro806Arg (NM_001127511.3); c.2525C>G, p.Pro842Arg (NM_001354896.2, NM_001407447.1, NM_001407448.1 and 1 more transcripts); c.2501C>G, p.Pro834Arg (NM_001354897.2); c.2396C>G, p.Pro799Arg (NM_001354898.2); c.2387C>G, p.Pro796Arg (NM_001354899.2); c.2348C>G, p.Pro783Arg (NM_001354900.2); c.2294C>G, p.Pro765Arg (NM_001354901.2, NM_001407453.1); and 12 more; short protein forms P733R, P741R, P664R, P723R, P765R, P806R, P842R, P695R.
Identifiers: ClinVar variation 2178248 (VCV002178248.5), dbSNP rs2149870335, ClinGen allele CA16026757.